The following is an entry in ClinVar:

ClinVar aggregate classification (germline): Uncertain significance (1 of 4 stars; one submission).

Conditions:
Intellectual disability-severe speech delay-mild dysmorphism syndrome (IDDLA). Also called: Intellectual developmental disorder with language impairment AND with or without autistic features; Mental retardation with language impairment and autistic features; FOXP1 Syndrome. Identifiers: Orphanet 391372, MedGen C4013764, MONDO:0013352, OMIM 613670.

Submission:

3billion
Classification: Uncertain significance for Intellectual disability-severe speech delay-mild dysmorphism syndrome. Last evaluated: 2024-11-19. Review status: criteria provided, single submitter. Criteria: ACMG Guidelines, 2015. Collection method: clinical testing. Allele origin: germline. Affected: yes.
Comment: The variant is not observed in the gnomAD v4.1.0 dataset. Predicted Consequence/Location: Intron variant In silico tools predict the variant to alter splicing and produce an abnormal transcript [SpliceAI: 0.89 (>=0.2, moderate evidence for spliceogenicity)]. Therefore, this variant is classified as VUS according to the recommendation of ACMG/AMP guideline.

NM_001349338.3(FOXP1):c.1652+299T>G

Gene: FOXP1 (forkhead box P1; minus strand). Cytogenetic location: 3p13.
Variant type: single nucleotide variant.
Coding change: c.1652+299T>G on transcript NM_001349338.3 (MANE Select); 299 bases into the intron after coding-DNA position 1652, T replaced by G.
Molecular consequence: intron variant.
Genome position (GRCh38, 1-based): chr3:70,972,256, A>C on the plus strand (T>G on the coding strand, the complement: FOXP1 is on the minus strand). VCF-style: chr3-70972256-A-C. GRCh37 (hg19) VCF-style: chr3-71021407-A-C.
Other names: c.1531-76T>G (NM_001244810.2); c.1652+299T>G (NM_032682.6, NM_001349340.3, NM_001244816.2 and 1 more transcripts); c.1649+299T>G (NM_001349341.3, NM_001244808.3); c.1424+299T>G (NM_001244812.3); c.1349+299T>G (NM_001349343.3, NM_001349337.2, NM_001370548.1 and 1 more transcripts); c.1352+299T>G (NM_001349342.3, NM_001244815.2, NM_001244813.3).
Identifiers: ClinVar variation 4293468 (VCV004293468.1).
Genomic context (GRCh38, chr3:70,972,256, plus strand): 5'-CAGCAAAGGAGATGGAGTGGCAACAAAAGGAGACGGGGTTGGGGGCAGAACAGACATCCA[A>C]TACAGGGAACAGGAAAAAGAAAATAAAATGCAATAAGCATAAGCAAATGGTTTGTGAGGG-3'